The following is an entry in ClinVar:

NM_000228.3(LAMB3):c.3281_3284delinsC (p.Gln1094_Ser1095delinsPro)

Gene: LAMB3 (laminin subunit beta 3; minus strand). Cytogenetic location: 1q32.2.
Variant type: Indel.
Coding change: c.3281_3284delinsC on transcript NM_000228.3 (MANE Select); coding-DNA positions 3281 to 3284, AGAG replaced by C.
Protein change: p.Gln1094_Ser1095delinsPro.
Molecular consequence: inframe indel.
Genome position (GRCh38, 1-based): chr1:209,616,569-209,616,572, CTCT replaced by G on the plus strand (AGAG replaced by C on the coding strand, the reverse complement: LAMB3 is on the minus strand). VCF-style: chr1-209616569-CTCT-G. GRCh37 (hg19) VCF-style: chr1-209789914-CTCT-G.
Other names: c.3281_3284delinsC, p.Gln1094_Ser1095delinsPro (NM_001017402.2, NM_001127641.1).
Identifiers: ClinVar variation 1312007 (VCV001312007.2), dbSNP rs2102403507, ClinGen allele CA2573051473.

ClinVar aggregate classification (germline): Uncertain significance (1 of 4 stars; one submission).

Submission:

GeneDx
Classification: Uncertain significance. Last evaluated: 2020-10-20. Review status: criteria provided, single submitter. Criteria: GeneDx Variant Classification Process June 2021. Collection method: clinical testing. Allele origin: germline. Affected: yes.
Comment: In-frame deletion of 2 amino acids and insertion of 1 incorrect amino acid in a non-repeat region; In silico analysis, which includes protein predictors and evolutionary conservation, supports a deleterious effect; Has not been previously published as pathogenic or benign to our knowledge